The following is an entry in ClinVar:

NM_001142966.3(GREB1L):c.3414G>A (p.Val1138=)

Gene: GREB1L (GREB1 like retinoic acid receptor coactivator; plus strand). Cytogenetic location: 18q11.1.
Variant type: single nucleotide variant.
Coding change: c.3414G>A on transcript NM_001142966.3 (MANE Select); coding-DNA position 3414, G replaced by A.
Protein change: p.Val1138=; no amino-acid change (valine 1138 retained).
Molecular consequence: synonymous variant.
Genome position (GRCh38, 1-based): chr18:21,499,751, G>A. VCF-style: chr18-21499751-G-A. GRCh37 (hg19) VCF-style: chr18-19079712-G-A.
Other names: c.3543G>A, p.Val1181= (NM_001410867.1); c.3087G>A, p.Val1029= (NM_001410868.1).
Identifiers: ClinVar variation 4874922 (VCV004874922.2).

ClinVar aggregate classification (germline): Likely benign (1 of 4 stars; one submission).

Submission:

CeGaT Center for Human Genetics Tuebingen
Classification: Likely benign. Last evaluated: 2026-05-01. Review status: criteria provided, single submitter. Criteria: CeGaT Center For Human Genetics Tuebingen Variant Classification Criteria Version 2. Collection method: clinical testing. Allele origin: germline. Affected: yes. Observed: 1 variant allele.
Comment: GREB1L: PM2:Supporting, BP4, BP7